The following is an entry in ClinVar:

ClinVar aggregate classification (germline): Conflicting classifications of pathogenicity. Review status: criteria provided, conflicting classifications (1 of 4 stars). 3 submissions from 3 submitters: Uncertain significance (2); Likely benign (1). Last evaluated 2025-08-19.

Conditions:
Hereditary cancer-predisposing syndrome. Also called: Neoplastic Syndromes, Hereditary; Hereditary neoplastic syndrome; Tumor predisposition; Hereditary Cancer Syndrome. Identifiers: Orphanet 140162, MedGen C0027672, MeSH D009386, MONDO:0015356.
Chuvash polycythemia. Also called: POLYCYTHEMIA, VHL-DEPENDENT. Identifiers: Orphanet 238557, MedGen C1837915, MONDO:0009892, OMIM 263400.
Pheochromocytoma. Also called: MAX-Related Hereditary Paraganglioma-Pheochromocytoma Syndrome. Identifiers: Orphanet 29072, MedGen C0031511, MONDO:0008233, OMIM 171300, HP:0002666.
Nonpapillary renal cell carcinoma. Identifiers: Orphanet 422526, MedGen CN074294, MONDO:0007763, OMIM 144700.
Von Hippel-Lindau syndrome (VHLS). Also called: Von Hippel-Lindau; VHL syndrome; von Hippel–Lindau syndrome. Identifiers: Orphanet 892, MedGen C0019562, MONDO:0008667, OMIM 193300. Disease mechanism: loss of function.

gnomAD v4.1: 2 of 1,580,702 alleles (0.00013%); highest among the groups gnomAD compares: East Asian, 0.0023%; no homozygotes.

Submissions (3):

Labcorp Genetics (formerly Invitae), Labcorp
Classification: Uncertain significance for Von Hippel-Lindau syndrome; Chuvash polycythemia. Last evaluated: 2025-08-19. Review status: criteria provided, single submitter. Criteria: Invitae Variant Classification Sherloc (09022015). Collection method: clinical testing. Allele origin: germline.
Comment: This sequence change replaces glutamic acid, which is acidic and polar, with glutamine, which is neutral and polar, at codon 51 of the VHL protein (p.Glu51Gln). This variant is not present in population databases (gnomAD no frequency). This variant has not been reported in the literature in individuals affected with VHL-related conditions. ClinVar contains an entry for this variant (Variation ID: 840866). Invitae Evidence Modeling of protein sequence and biophysical properties (such as structural, functional, and spatial information, amino acid conservation, physicochemical variation, residue mobility, and thermodynamic stability) indicates that this missense variant is not expected to disrupt VHL protein function with a negative predictive value of 95%. In summary, the available evidence is currently insufficient to determine the role of this variant in disease. Therefore, it has been classified as a Variant of Uncertain Significance.

Fulgent Genetics
Classification: Uncertain significance for Nonpapillary renal cell carcinoma; Pheochromocytoma; Von Hippel-Lindau syndrome; Chuvash polycythemia. Last evaluated: 2024-03-11. Review status: criteria provided, single submitter. Criteria: ACMG Guidelines, 2015. Collection method: clinical testing. Allele origin: germline.

Ambry Genetics
Classification: Likely benign for Hereditary cancer-predisposing syndrome. Last evaluated: 2024-02-20. Review status: criteria provided, single submitter. Criteria: Ambry Variant Classification Scheme 2023. Collection method: clinical testing. Allele origin: germline.

NM_000551.4(VHL):c.151G>C (p.Glu51Gln)

Gene: VHL (von Hippel-Lindau tumor suppressor; plus strand). Cytogenetic location: 3p25.3.
Variant type: single nucleotide variant.
Coding change: c.151G>C on transcript NM_000551.4 (MANE Select); coding-DNA position 151, G replaced by C.
Protein change: p.Glu51Gln; replaces glutamic acid 51 with glutamine.
Molecular consequence: missense variant.
Genome position (GRCh38, 1-based): chr3:10,141,998, G>C. VCF-style: chr3-10141998-G-C. GRCh37 (hg19) VCF-style: chr3-10183682-G-C.
Other names: c.151G>C, p.Glu51Gln (NM_001354723.2, NM_198156.3); short protein forms E51Q.
Identifiers: ClinVar variation 840866 (VCV000840866.10), dbSNP rs1480825246, ClinGen allele CA351748282.
Genomic context (GRCh38, chr3:10,141,998, plus strand): 5'-GAGGAGTCGGGCGCCGAGGAGTCCGGCCCGGAAGAGTCCGGCCCGGAGGAACTGGGCGCC[G>C]AGGAGGAGATGGAGGCCGGGCGGCCGCGGCCCGTGCTGCGCTCGGTGAACTCGCGCGAGC-3'
Protein context (NP_000542.1, residues 41-61): EESGPEELGA[Glu51Gln]EEMEAGRPRP